The following is an entry in ClinVar:

ClinVar aggregate classification (germline): Pathogenic (1 of 4 stars; one submission).

Conditions:
Familial cancer of breast. Also called: Hereditary breast cancer; BREAST CANCER, FAMILIAL; hereditary breast carcinoma. Identifiers: Orphanet 227535, MedGen C0346153, MONDO:0016419, OMIM 114480. Disease mechanism: loss of function.

Submission:

Myriad Genetics, Inc.
Classification: Pathogenic for Familial cancer of breast. Last evaluated: 2023-05-19. Review status: criteria provided, single submitter. Criteria: Myriad Autosomal Dominant, Autosomal Recessive and X-Linked Classification Criteria (2023). Collection method: clinical testing. Allele origin: unknown.
Comment: This variant is considered pathogenic. This variant creates a termination codon and is predicted to result in premature protein truncation.

NM_000465.4(BARD1):c.802G>T (p.Glu268Ter)

Gene: BARD1 (BRCA1 associated RING domain 1; minus strand). Cytogenetic location: 2q35.
Variant type: single nucleotide variant.
Coding change: c.802G>T on transcript NM_000465.4 (MANE Select); coding-DNA position 802, G replaced by T.
Protein change: p.Glu268Ter; replaces glutamic acid 268 with a stop codon.
Molecular consequence: nonsense. On other transcripts: non-coding transcript variant (2), intron variant (3).
Genome position (GRCh38, 1-based): chr2:214,781,072, C>A on the plus strand (G>T on the coding strand, the complement: BARD1 is on the minus strand). VCF-style: chr2-214781072-C-A. GRCh37 (hg19) VCF-style: chr2-215645796-C-A.
Other names: c.745G>T, p.Glu249Ter (NM_001282543.2); c.158+28340G>T (NM_001282548.2); c.215+15989G>T (NM_001282545.2); c.364+11225G>T (NM_001282549.2); short protein forms E249*, E268*.
Identifiers: ClinVar variation 2583243 (VCV002583243.2), dbSNP rs2106110358, ClinGen allele CA350455603.